The following is an entry in ClinVar:

ClinVar aggregate classification (germline): Likely pathogenic (1 of 4 stars; one submission).

Conditions:
Hereditary antithrombin deficiency (AT3D). Also called: Antithrombin III deficiency; Thrombophilia due to antithrombin III deficiency; Reduced antithrombin III activity; Antithrombin deficiency. Identifiers: Orphanet 82, MedGen C0272375, MONDO:0013144, OMIM 613118, HP:0001976.

Submission:

Clinical Genomics Laboratory, Washington University in St. Louis
Classification: Likely pathogenic for Hereditary antithrombin deficiency. Last evaluated: 2025-06-10. Review status: criteria provided, single submitter. Criteria: ACMG Guidelines, 2015. Collection method: clinical testing. Allele origin: germline. Affected: yes.
Comment: The SERPINC1 c.1121del (p.Asp374Valfs*34) variant, to our knowledge, has not been reported in the medical literature nor in the ClinVar database. This variant is absent from the general population (gnomAD v4.1.0), indicating it is not a common variant. This variant causes a frameshift by deleting a single nucleotide, leading to a premature termination codon, which is predicted to lead to nonsense mediated decay. Based on available information and the ACMG/AMP guidelines for variant interpretation (Richards S et al., PMID: 25741868), this variant is classified as likely pathogenic.

NM_000488.4(SERPINC1):c.1121del (p.Asp374fs)

Gene: SERPINC1 (serpin family C member 1; minus strand). Cytogenetic location: 1q25.1.
Variant type: Deletion.
Coding change: c.1121del on transcript NM_000488.4 (MANE Select); coding-DNA position 1121, one base deleted (A; older notation c.1121delA).
Protein change: p.Asp374fs; shifts the reading frame from aspartic acid 374.
Molecular consequence: frameshift variant.
Genome position (GRCh38, 1-based): chr1:173,909,584, T deleted on the plus strand (A on the coding strand, the reverse complement: SERPINC1 is on the minus strand). VCF-style (leftmost placement, unchanged base first): chr1-173909583-AT-A. GRCh37 (hg19) VCF-style: chr1-173878721-AT-A.
Other names: c.977del, p.Asp326fs (NM_001365052.2); c.1244del, p.Asp415fs (NM_001386302.1); c.1202del, p.Asp401fs (NM_001386303.1); c.1100del, p.Asp367fs (NM_001386304.1); c.1064del, p.Asp355fs (NM_001386305.1); c.905del, p.Asp302fs (NM_001386306.1); short protein forms D302fs, D326fs, D355fs, D367fs, D374fs, D401fs, D415fs.
Identifiers: ClinVar variation 4279821 (VCV004279821.1).
Genomic context (GRCh38, chr1:173,909,583, plus strand): 5'-GAAGGGAGGAAACTCCTTCCTAGACAAACCTGGGAGTTTGGACTTTTCAGGGCTGAACAG[AT>A]CGACAAGGCCCATGTCTTGCAGCTGCTCCTTCAAACTGAAGCCGTCCTCAATGCGGAAGC-3'